The following is an entry in ClinVar:

ClinVar aggregate classification (germline): Uncertain significance (1 of 4 stars; one submission).

Submission:

Women's Health and Genetics/Laboratory Corporation of America, LabCorp
Classification: Uncertain significance. Last evaluated: 2023-04-25. Review status: criteria provided, single submitter. Criteria: LabCorp Variant Classification Summary - May 2015. Collection method: clinical testing. Allele origin: germline.
Comment: Variant summary: CPLANE1 c.5421+5_5421+11delins18 alters a nucleotide located close to a canonical splice site and therefore could affect mRNA splicing, leading to a significantly altered protein sequence. 4/4 computational tools predict no significant impact on normal splicing. However, these predictions have yet to be confirmed by functional studies. The variant was absent in 261554 control chromosomes (gnomAD). The available data on variant occurrences in the general population are insufficient to allow any conclusion about variant significance. To our knowledge, no occurrence of c.5421+5_5421+11delins18 in individuals affected with Joubert Syndrome And Related Disorders and no experimental evidence demonstrating its impact on protein function have been reported. No submitters have provided clinical-significance assessments for this variant to ClinVar after 2014. Based on the evidence outlined above, the variant was classified as uncertain significance.

NM_001384732.1(CPLANE1):c.5421+5_5421+11delinsTGATAAATACAATTGATA

Gene: CPLANE1 (ciliogenesis and planar polarity effector complex subunit 1; minus strand). Cytogenetic location: 5p13.2.
Variant type: Indel.
Coding change: c.5421+5_5421+11delinsTGATAAATACAATTGATA on transcript NM_001384732.1 (MANE Select); bases 5 to 11 of the intron after coding-DNA position 5421, GCATATC replaced by TGATAAATACAATTGATA.
Molecular consequence: intron variant.
Genome position (GRCh38, 1-based): chr5:37,182,749-37,182,755, GATATGC replaced by TATCAATTGTATTTATCA on the plus strand (GCATATC replaced by TGATAAATACAATTGATA on the coding strand, the reverse complement: CPLANE1 is on the minus strand). VCF-style: chr5-37182749-GATATGC-TATCAATTGTATTTATCA. GRCh37 (hg19) VCF-style: chr5-37182851-GATATGC-TATCAATTGTATTTATCA.
Other names: c.5421+5_5421+11delinsTGATAAATACAATTGATA (NM_023073.4, NM_023073.3).
Identifiers: ClinVar variation 2503826 (VCV002503826.1), dbSNP rs2547818791, ClinGen allele CA2580613555.